The following is an entry in ClinVar:

NM_000142.5(FGFR3):c.343C>G (p.Gln115Glu)

Gene: FGFR3 (fibroblast growth factor receptor 3; plus strand). Cytogenetic location: 4p16.3.
Variant type: single nucleotide variant.
Coding change: c.343C>G on transcript NM_000142.5 (MANE Select); coding-DNA position 343, C replaced by G.
Protein change: p.Gln115Glu; replaces glutamine 115 with glutamic acid.
Molecular consequence: missense variant. On other transcripts: non-coding transcript variant (1).
Genome position (GRCh38, 1-based): chr4:1,799,487, C>G. VCF-style: chr4-1799487-C-G. GRCh37 (hg19) VCF-style: chr4-1801214-C-G.
Other names: c.343C>G, p.Gln115Glu (NM_001163213.2, NM_001354809.2, NM_001354810.2 and 1 more transcripts); short protein forms Q115E.
Identifiers: ClinVar variation 994354 (VCV000994354.11), dbSNP rs746468796, ClinGen allele CA2809772.

ClinVar aggregate classification (germline): Uncertain significance. Review status: criteria provided, multiple submitters, no conflicts (2 of 4 stars). 2 submissions from 2 submitters: Uncertain significance (2). Last evaluated 2025-04-08.

Allele frequency attached by ClinVar (database versions not stated): ExAC 0.00014; gnomAD 0.00001; TOPMed 0.00003.
gnomAD v4.1: 30 of 1,573,218 alleles (0.0019%); highest among the groups gnomAD compares: Non-Finnish European, 0.0024%; no homozygotes.

Submissions (2):

Labcorp Genetics (formerly Invitae), Labcorp
Classification: Uncertain significance. Last evaluated: 2025-04-08. Review status: criteria provided, single submitter. Criteria: Invitae Variant Classification Sherloc (09022015). Collection method: clinical testing. Allele origin: germline.
Comment: This sequence change replaces glutamine, which is neutral and polar, with glutamic acid, which is acidic and polar, at codon 115 of the FGFR3 protein (p.Gln115Glu). This variant is present in population databases (rs746468796, gnomAD 0.01%). This variant has not been reported in the literature in individuals affected with FGFR3-related conditions. ClinVar contains an entry for this variant (Variation ID: 994354). Invitae Evidence Modeling of protein sequence and biophysical properties (such as structural, functional, and spatial information, amino acid conservation, physicochemical variation, residue mobility, and thermodynamic stability) has been performed for this missense variant. However, the output from this modeling did not meet the statistical confidence thresholds required to predict the impact of this variant on FGFR3 protein function. This variant disrupts the p.Gln115Leu amino acid residue in FGFR3. Other variant(s) that disrupt this residue have been determined to be pathogenic (PMID: 22903874). This suggests that this residue is clinically significant, and that variants that disrupt this residue are likely to be disease-causing. In summary, the available evidence is currently insufficient to determine the role of this variant in disease. Therefore, it has been classified as a Variant of Uncertain Significance.

ARUP Laboratories, Molecular Genetics and Genomics, ARUP Laboratories
Classification: Uncertain significance. Last evaluated: 2019-08-12. Review status: criteria provided, single submitter. Criteria: ARUP Molecular Germline Variant Investigation Process. Collection method: clinical testing. Allele origin: germline.

Literature cited by the submitters: PubMed 22903874 (cited by Labcorp Genetics (formerly Invitae), Labcorp).